The following is an entry in ClinVar:

NM_000059.4(BRCA2):c.50C>T (p.Thr17Ile)

Gene: BRCA2 (BRCA2 DNA repair associated; plus strand). Cytogenetic location: 13q13.1.
Variant type: single nucleotide variant.
Coding change: c.50C>T on transcript NM_000059.4 (MANE Select); coding-DNA position 50, C replaced by T.
Protein change: p.Thr17Ile; replaces threonine 17 with isoleucine.
Molecular consequence: missense variant.
Genome position (GRCh38, 1-based): chr13:32,316,510, C>T. VCF-style: chr13-32316510-C-T. GRCh37 (hg19) VCF-style: chr13-32890647-C-T.
Other names: short protein forms T17I.
Identifiers: ClinVar variation 41552 (VCV000041552.5), dbSNP rs386833396, ClinGen allele CA021249.

ClinVar aggregate classification (germline): Uncertain significance. Review status: criteria provided, multiple submitters, no conflicts (2 of 4 stars). 3 submissions from 3 submitters: Uncertain significance (2). 1 of the submissions does not count toward it. Last evaluated 2023-10-06.

Conditions:
Hereditary cancer-predisposing syndrome. Also called: Hereditary neoplastic syndrome; Neoplastic Syndromes, Hereditary; Hereditary Cancer Syndrome; Tumor predisposition. Identifiers: Orphanet 140162, MedGen C0027672, MeSH D009386, MONDO:0015356.

Submissions (3):

ARUP Laboratories, Molecular Genetics and Genomics, ARUP Laboratories
Classification: Uncertain significance. Last evaluated: 2023-10-06. Review status: criteria provided, single submitter. Criteria: ARUP Molecular Germline Variant Investigation Process 2024. Collection method: clinical testing. Allele origin: germline.
Comment: The BRCA2 c.50C>T p.Thr17Ile variant (rs386833396), to our knowledge, is not reported in the medical literature but is reported in ClinVar (Variation ID: 41552). This variant is also absent from the Genome Aggregation Database, indicating it is not a common polymorphism. Computational analyses predict that this variant is neutral (REVEL: 0.079). Due to limited information, the clinical significance of this variant is uncertain at this time.

Ambry Genetics
Classification: Uncertain significance for Hereditary cancer-predisposing syndrome. Last evaluated: 2022-10-27. Review status: criteria provided, single submitter. Criteria: Ambry Variant Classification Scheme 2023. Collection method: clinical testing. Allele origin: germline.
Comment: The p.T17I variant (also known as c.50C>T), located in coding exon 1 of the BRCA2 gene, results from a C to T substitution at nucleotide position 50. The threonine at codon 17 is replaced by isoleucine, an amino acid with similar properties. This amino acid position is not well conserved in available vertebrate species. In addition, this alteration is predicted to be tolerated by in silico analysis. Since supporting evidence is limited at this time, the clinical significance of this alteration remains unclear.

Biesecker Lab/Clinical Genomics Section, National Institutes of Health
Classification: Uncertain significance. Last evaluated: 2012-07-13. Review status: no assertion criteria provided. Collection method: research. Allele origin: germline. Affected: no. Observed: 1 variant allele. Study: ClinSeq. Not counted in ClinVar's aggregate classification.
ClinVar note: Converted during submission from variant of unknown significance to Uncertain significance.